The following is an entry in ClinVar:

ClinVar aggregate classification (germline): Uncertain significance (1 of 4 stars; one submission).

Conditions:
Common variable immunodeficiency (CVID). Also called: Common variable hypogamma-globulinemia; Common variable agammaglobulinemia. Identifiers: Orphanet 1572, MedGen C0009447, MONDO:0015517.

Allele frequency attached by ClinVar (database versions not stated): gnomAD exomes 0.00001 and 0.00003; gnomAD 0.00007; TOPMed 0.00009; ExAC 0.00104.
gnomAD v4.1: 18 of 1,399,868 alleles (0.0013%); highest among the groups gnomAD compares: African/African-American, 0.02%; no homozygotes.

Submission:

Labcorp Genetics (formerly Invitae), Labcorp
Classification: Uncertain significance for Common variable immunodeficiency. Last evaluated: 2025-05-28. Review status: criteria provided, single submitter. Criteria: Invitae Variant Classification Sherloc (09022015). Collection method: clinical testing. Allele origin: germline.
Comment: This sequence change replaces leucine, which is neutral and non-polar, with phenylalanine, which is neutral and non-polar, at codon 37 of the TNFSF12 protein (p.Leu37Phe). The frequency data for this variant in the population databases is considered unreliable, as metrics indicate poor data quality at this position in the gnomAD database. This variant has not been reported in the literature in individuals affected with TNFSF12-related conditions. ClinVar contains an entry for this variant (Variation ID: 849246). An algorithm developed to predict the effect of missense changes on protein structure and function (PolyPhen-2) suggests that this variant is likely to be tolerated. In summary, the available evidence is currently insufficient to determine the role of this variant in disease. Therefore, it has been classified as a Variant of Uncertain Significance.

NM_003809.3(TNFSF12):c.109C>T (p.Leu37Phe)

Genes: TNFSF12 (TNF superfamily member 12; plus strand), TNFSF12-TNFSF13 (TNFSF12-TNFSF13 readthrough; plus strand). Cytogenetic location: 17p13.1.
Variant type: single nucleotide variant.
Coding change: c.109C>T on transcript NM_003809.3 (MANE Select); coding-DNA position 109, C replaced by T.
Protein change: p.Leu37Phe; replaces leucine 37 with phenylalanine.
Molecular consequence: missense variant. On other transcripts: non-coding transcript variant (1).
Genome position (GRCh38, 1-based): chr17:7,549,262, C>T. VCF-style: chr17-7549262-C-T. GRCh37 (hg19) VCF-style: chr17-7452579-C-T.
Other names: c.109C>T, p.Leu37Phe (NM_172089.4); short protein forms L37F.
Identifiers: ClinVar variation 849246 (VCV000849246.11), dbSNP rs756671729, ClinGen allele CA8350688.
Genomic context (GRCh38, chr17:7,549,262, plus strand): 5'-GGCACCGCCCTGCTGGTCCCGCTCGCGCTGGGCCTGGGCCTGGCGCTGGCCTGCCTCGGC[C>T]TCCTGCTGGCCGTGGTCAGTTTGGGGAGCCGGGCATCGCTGTCCGCCCAGGTGAGGCCCC-3'
Protein context (NP_003800.1, residues 27-47): GLGLALACLG[Leu37Phe]LLAVVSLGSR